The following is an entry in ClinVar:

NM_000264.5(PTCH1):c.610T>G (p.Tyr204Asp)

Gene: PTCH1 (patched 1; minus strand). Cytogenetic location: 9q22.32.
Variant type: single nucleotide variant.
Coding change: c.610T>G on transcript NM_000264.5 (MANE Select); coding-DNA position 610, T replaced by G.
Protein change: p.Tyr204Asp; replaces tyrosine 204 with aspartic acid.
Molecular consequence: missense variant. On other transcripts: non-coding transcript variant (1).
Genome position (GRCh38, 1-based): chr9:95,482,178, A>C on the plus strand (T>G on the coding strand, the complement: PTCH1 is on the minus strand). VCF-style: chr9-95482178-A-C. GRCh37 (hg19) VCF-style: chr9-98244460-A-C.
Other names: c.412T>G, p.Tyr138Asp (NM_001083602.3, NM_001354919.2); c.607T>G, p.Tyr203Asp (NM_001083603.3); c.157T>G, p.Tyr53Asp (NM_001083604.3, NM_001083605.3, NM_001083606.3 and 1 more transcripts); c.610T>G, p.Tyr204Asp (NM_001354918.2); short protein forms Y138D, Y204D, Y203D, Y53D.
Identifiers: ClinVar variation 2112026 (VCV002112026.4), dbSNP rs2538247654, ClinGen allele CA374115107.
Genomic context (GRCh38, chr9:95,482,178, plus strand): 5'-CAAGAAGAAAATATACCTGATCCATGTAACCTGTTTCTGTGATAAGCTCTCCTGATTTGT[A>C]ACACAAATGTTCCAATTTCCACTGCCTAATAAAATGAAAAGCAGAGACAAAAATTTCTCA-3'
Protein context (NP_000255.2, residues 194-214): NRQWKLEHLC[Tyr204Asp]KSGELITETG

ClinVar aggregate classification (germline): Uncertain significance (1 of 4 stars; one submission).

Conditions:
Gorlin syndrome. Also called: Nevoid Basal Cell Carcinoma Syndrome; Basal cell nevus syndrome. Identifiers: Orphanet 377, MedGen C0004779, MONDO:0007187.

Submission:

Labcorp Genetics (formerly Invitae), Labcorp
Classification: Uncertain significance for Gorlin syndrome. Last evaluated: 2022-03-14. Review status: criteria provided, single submitter. Criteria: Invitae Variant Classification Sherloc (09022015). Collection method: clinical testing. Allele origin: germline.
Comment: In summary, the available evidence is currently insufficient to determine the role of this variant in disease. Therefore, it has been classified as a Variant of Uncertain Significance. Advanced modeling of protein sequence and biophysical properties (such as structural, functional, and spatial information, amino acid conservation, physicochemical variation, residue mobility, and thermodynamic stability) performed at Invitae indicates that this missense variant is not expected to disrupt PTCH1 protein function. This variant has not been reported in the literature in individuals affected with PTCH1-related conditions. This variant is not present in population databases (gnomAD no frequency). This sequence change replaces tyrosine, which is neutral and polar, with aspartic acid, which is acidic and polar, at codon 204 of the PTCH1 protein (p.Tyr204Asp).